The following is an entry in ClinVar:

NM_004999.4(MYO6):c.1767A>G (p.Glu589=)

Gene: MYO6 (myosin VI; plus strand). Cytogenetic location: 6q14.1.
Variant type: single nucleotide variant.
Coding change: c.1767A>G on transcript NM_004999.4 (MANE Select); coding-DNA position 1767, A replaced by G.
Protein change: p.Glu589=; no amino-acid change (glutamic acid 589 retained).
Molecular consequence: synonymous variant. On other transcripts: non-coding transcript variant (1).
Genome position (GRCh38, 1-based): chr6:75,866,618, A>G. VCF-style: chr6-75866618-A-G. GRCh37 (hg19) VCF-style: chr6-76576335-A-G.
Other names: c.1767A>G, p.Glu589= (NM_001300899.2, NM_001368136.1, NM_001368137.1 and 2 more transcripts); c.1752A>G, p.Glu584= (NM_001368138.1).
Identifiers: ClinVar variation 1297616 (VCV001297616.30), dbSNP rs547890149, ClinGen allele CA3897198.

ClinVar aggregate classification (germline): Likely benign. Review status: criteria provided, multiple submitters, no conflicts (2 of 4 stars). 5 submissions from 5 submitters: Likely benign (3). 2 of the submissions do not count toward it. Last evaluated 2024-11-27.

Allele frequency attached by ClinVar (database versions not stated): gnomAD exomes 0.00002 and 0.00004; TOPMed 0.00002; ExAC 0.00005; gnomAD 0.00008 and 0.00009; 1000 Genomes Project 30x 0.00016; 1000 Genomes Project 0.00020.
gnomAD v4.1: 50 of 1,612,070 alleles (0.0031%); highest among the groups gnomAD compares: Admixed American, 0.023%; no homozygotes.

Submissions (5):

Labcorp Genetics (formerly Invitae), Labcorp
Classification: Likely benign. Last evaluated: 2024-11-27. Review status: criteria provided, single submitter. Criteria: Invitae Variant Classification Sherloc (09022015). Collection method: clinical testing. Allele origin: germline.

CeGaT Center for Human Genetics Tuebingen
Classification: Likely benign. Last evaluated: 2022-12-01. Review status: criteria provided, single submitter. Criteria: CeGaT Center For Human Genetics Tuebingen Variant Classification Criteria Version 2. Collection method: clinical testing. Allele origin: germline. Affected: yes. Observed: 1 variant allele.
Comment: MYO6: BP4, BP7

Breakthrough Genomics
Classification: Likely benign. Review status: criteria provided, single submitter. Criteria: ACMG Guidelines, 2015. Collection method: not provided. Allele origin: germline. Inheritance: Autosomal recessive inheritance. Affected: yes.

Clinical Genetics DNA and cytogenetics Diagnostics Lab, Erasmus MC, Erasmus Medical Center
Classification: Likely benign. Review status: no assertion criteria provided. Collection method: clinical testing. Allele origin: germline. Affected: yes. Study: VKGL Data-share Consensus. Not counted in ClinVar's aggregate classification.

Joint Genome Diagnostic Labs from Nijmegen and Maastricht, Radboudumc and MUMC+
Classification: Likely benign. Review status: no assertion criteria provided. Collection method: clinical testing. Allele origin: germline. Affected: yes. Study: VKGL Data-share Consensus. Not counted in ClinVar's aggregate classification.